The following is an entry in ClinVar:

NM_004655.4(AXIN2):c.1376G>C (p.Arg459Pro)

Gene: AXIN2 (axin 2; minus strand). Cytogenetic location: 17q24.1.
Variant type: single nucleotide variant.
Coding change: c.1376G>C on transcript NM_004655.4 (MANE Select); coding-DNA position 1376, G replaced by C.
Protein change: p.Arg459Pro; replaces arginine 459 with proline.
Molecular consequence: missense variant.
Genome position (GRCh38, 1-based): chr17:65,537,660, C>G on the plus strand (G>C on the coding strand, the complement: AXIN2 is on the minus strand). VCF-style: chr17-65537660-C-G. GRCh37 (hg19) VCF-style: chr17-63533778-C-G.
Other names: c.1376G>C (LRG_296t1); c.1376G>C, p.Arg459Pro (NM_001363813.1); short protein forms R459P.
Identifiers: ClinVar variation 575746 (VCV000575746.15), dbSNP rs368525111, ClinGen allele CA400677623.

ClinVar aggregate classification (germline): Uncertain significance. Review status: criteria provided, multiple submitters, no conflicts (2 of 4 stars). 4 submissions from 4 submitters: Uncertain significance (4). Last evaluated 2025-07-24.

Conditions:
Oligodontia-cancer predisposition syndrome. Also called: TOOTH AGENESIS-COLORECTAL CANCER SYNDROME. Identifiers: Orphanet 300576, MedGen C1837750, MONDO:0012075, OMIM 608615. Disease mechanism: loss of function.
Hereditary cancer-predisposing syndrome. Also called: Tumor predisposition; Hereditary neoplastic syndrome; Hereditary Cancer Syndrome; Neoplastic Syndromes, Hereditary. Identifiers: Orphanet 140162, MedGen C0027672, MeSH D009386, MONDO:0015356.

gnomAD v4.1: 5 of 1,563,328 alleles (0.00032%); highest among the groups gnomAD compares: East Asian, 0.0047%; no homozygotes.

Submissions (4):

Labcorp Genetics (formerly Invitae), Labcorp
Classification: Uncertain significance for Oligodontia-cancer predisposition syndrome. Last evaluated: 2025-07-24. Review status: criteria provided, single submitter. Criteria: Invitae Variant Classification Sherloc (09022015). Collection method: clinical testing. Allele origin: germline.
Comment: This sequence change replaces arginine, which is basic and polar, with proline, which is neutral and non-polar, at codon 459 of the AXIN2 protein (p.Arg459Pro). This variant is not present in population databases (gnomAD no frequency). This variant has not been reported in the literature in individuals affected with AXIN2-related conditions. ClinVar contains an entry for this variant (Variation ID: 575746). An algorithm developed to predict the effect of missense changes on protein structure and function (PolyPhen-2) suggests that this variant is likely to be disruptive. In summary, the available evidence is currently insufficient to determine the role of this variant in disease. Therefore, it has been classified as a Variant of Uncertain Significance.

Quest Diagnostics Nichols Institute San Juan Capistrano
Classification: Uncertain significance. Last evaluated: 2024-11-08. Review status: criteria provided, single submitter. Criteria: Quest Diagnostics criteria. Collection method: clinical testing. Allele origin: unknown.
Comment: The AXIN2 c.1376G>C (p.Arg459Pro) variant has not been reported in individuals with AXIN2-related conditions in the published literature. The frequency of this variant in the general population, 0.000013 (2/151936 chromosomes (Genome Aggregation Database)), is uninformative in the assessment of its pathogenicity. Analysis of this variant using bioinformatics tools for the prediction of the effect of amino acid changes on protein structure and function yielded predictions that this variant is damaging. Based on the available information, we are unable to determine the clinical significance of this variant.

Ambry Genetics
Classification: Uncertain significance for Hereditary cancer-predisposing syndrome. Last evaluated: 2024-08-27. Review status: criteria provided, single submitter. Criteria: Ambry Variant Classification Scheme 2023. Collection method: clinical testing. Allele origin: germline.
Comment: The p.R459P variant (also known as c.1376G>C), located in coding exon 5 of the AXIN2 gene, results from a G to C substitution at nucleotide position 1376. The arginine at codon 459 is replaced by proline, an amino acid with dissimilar properties. This amino acid position is highly conserved in available vertebrate species. In addition, the in silico prediction for this alteration is inconclusive. Since supporting evidence is limited at this time, the clinical significance of this alteration remains unclear.

GeneDx
Classification: Uncertain significance. Last evaluated: 2020-11-27. Review status: criteria provided, single submitter. Criteria: GeneDx Variant Classification Process June 2021. Collection method: clinical testing. Allele origin: germline. Affected: yes.
Comment: Not observed in large population cohorts (Lek et al., 2016); In silico analysis supports that this missense variant has a deleterious effect on protein structure/function; Has not been previously published as pathogenic or benign to our knowledge